The following is an entry in ClinVar:

ClinVar aggregate classification (germline): Uncertain significance. Review status: criteria provided, multiple submitters, no conflicts (2 of 4 stars). 5 submissions from 5 submitters: Uncertain significance (5). Last evaluated 2026-02-16.

Conditions:
Retinal dystrophy. Also called: Inherited retinal dystrophy. Identifiers: Orphanet 71862, MedGen C0854723, MeSH D058499, MONDO:0019118, HP:0000556.
Retinitis pigmentosa (RP). Identifiers: Orphanet 791, MedGen C0035334, MeSH D012174, MONDO:0019200, OMIM 268000. Inheritance: Autosomal dominant, autosomal recessive and X linked inheritance.

Allele frequency attached by ClinVar (database versions not stated): gnomAD 0.00001 and 0.00002; ExAC 0.00002; TOPMed 0.00001; gnomAD exomes 0.00001.
gnomAD v4.1: 27 of 1,613,944 alleles (0.0017%); highest among the groups gnomAD compares: East Asian, 0.02%; no homozygotes.

Submissions (5):

Dasa
Classification: Uncertain significance. Last evaluated: 2026-02-16. Review status: criteria provided, single submitter. Criteria: DASA Assertion Criteria. Collection method: clinical testing. Allele origin: germline.
Comment: NM_006343.3(MERTK):c.2273G>A (p.Arg758His) is a missense variant that results in the substitution of arginine with histidine. The affected residue or protein region has prior evidence supporting clinical relevance. Functional evidence supports an impact on the gene or gene product (PMID: 26700204). Also, this variant is rare in population databases. Computational prediction algorithms are consistent with a deleterious effect. The currently available literature and clinical evidence are not sufficient to establish a definitive association between this variant and the reported condition. Therefore, this variant is classified as a variant of uncertain significance.

Labcorp Genetics (formerly Invitae), Labcorp
Classification: Uncertain significance. Last evaluated: 2025-01-06. Review status: criteria provided, single submitter. Criteria: Invitae Variant Classification Sherloc (09022015). Collection method: clinical testing. Allele origin: germline.
Comment: This sequence change replaces arginine, which is basic and polar, with histidine, which is basic and polar, at codon 758 of the MERTK protein (p.Arg758His). This variant is present in population databases (rs370526555, gnomAD 0.006%). This missense change has been observed in individual(s) with pheochromocytoma and paragangliomas (PMID: 26700204). ClinVar contains an entry for this variant (Variation ID: 866612). Invitae Evidence Modeling of protein sequence and biophysical properties (such as structural, functional, and spatial information, amino acid conservation, physicochemical variation, residue mobility, and thermodynamic stability) has been performed for this missense variant. However, the output from this modeling did not meet the statistical confidence thresholds required to predict the impact of this variant on MERTK protein function. In summary, the available evidence is currently insufficient to determine the role of this variant in disease. Therefore, it has been classified as a Variant of Uncertain Significance.

Dept Of Ophthalmology, Nagoya University
Classification: Uncertain significance for Retinal dystrophy. Last evaluated: 2023-10-01. Review status: criteria provided, single submitter. Criteria: Submitter's publication. Collection method: research. Allele origin: germline. Affected: yes.

Blueprint Genetics
Classification: Uncertain significance. Last evaluated: 2022-07-27. Review status: criteria provided, single submitter. Criteria: ACMG Guidelines, 2015. Collection method: clinical testing. Allele origin: germline.

Illumina Laboratory Services, Illumina
Classification: Uncertain significance for Retinitis pigmentosa. Last evaluated: 2017-04-27. Review status: criteria provided, single submitter. Criteria: ICSL Variant Classification Criteria 13 December 2019. Collection method: clinical testing. Allele origin: germline.

Literature cited by the submitters: PubMed 26700204 (cited by Dasa and Labcorp Genetics (formerly Invitae), Labcorp).

NM_006343.3(MERTK):c.2273G>A (p.Arg758His)

Gene: MERTK (MER proto-oncogene, tyrosine kinase; plus strand). Cytogenetic location: 2q13.
Variant type: single nucleotide variant.
Coding change: c.2273G>A on transcript NM_006343.3 (MANE Select); coding-DNA position 2273, G replaced by A.
Protein change: p.Arg758His; replaces arginine 758 with histidine.
Molecular consequence: missense variant.
Genome position (GRCh38, 1-based): chr2:112,021,505, G>A. VCF-style: chr2-112021505-G-A. GRCh37 (hg19) VCF-style: chr2-112779082-G-A.
Other names: short protein forms R758H.
Identifiers: ClinVar variation 866612 (VCV000866612.13), dbSNP rs370526555, ClinGen allele CA1831789.